The following is an entry in ClinVar:

NM_152564.5(VPS13B):c.9831G>A (p.Pro3277=)

Gene: VPS13B (vacuolar protein sorting 13 homolog B; plus strand). Cytogenetic location: 8q22.2.
Variant type: single nucleotide variant.
Coding change: c.9831G>A on transcript NM_152564.5 (MANE Select); coding-DNA position 9831, G replaced by A.
Protein change: p.Pro3277=; no amino-acid change (proline 3277 retained).
Molecular consequence: synonymous variant.
Genome position (GRCh38, 1-based): chr8:99,835,627, G>A. VCF-style: chr8-99835627-G-A. GRCh37 (hg19) VCF-style: chr8-100847855-G-A.
Other names: c.9906G>A, p.Pro3302= (NM_017890.5); c.9831G>A (NM_152564.4).
Identifiers: ClinVar variation 361085 (VCV000361085.20), dbSNP rs775601813, ClinGen allele CA4824810.

ClinVar aggregate classification (germline): Conflicting classifications of pathogenicity. Review status: criteria provided, conflicting classifications (1 of 4 stars). 4 submissions from 4 submitters: Uncertain significance (2); Likely benign (2). Last evaluated 2025-10-26.

Conditions:
Cohen syndrome (COH1). Also called: PEPPER SYNDROME; Cutis verticis gyrata, retinitis pigmentosa, and sensorineural deafness. Identifiers: Orphanet 193, MedGen C0265223, MONDO:0008999, OMIM 216550.
VPS13B-related disorder. Also called: VPS13B-related condition.

Allele frequency attached by ClinVar (database versions not stated): gnomAD exomes 0.00001 and 0.00002; ExAC 0.00002; gnomAD 0.00002; TOPMed 0.00002.
gnomAD v4.1: 33 of 1,613,852 alleles (0.002%); highest among the groups gnomAD compares: Middle Eastern, 0.016%; 1 homozygote.

Submissions (4):

Labcorp Genetics (formerly Invitae), Labcorp
Classification: Likely benign for Cohen syndrome. Last evaluated: 2025-10-26. Review status: criteria provided, single submitter. Criteria: Invitae Variant Classification Sherloc (09022015). Collection method: clinical testing. Allele origin: germline.

PreventionGenetics, part of Exact Sciences
Classification: Likely benign for VPS13B-related condition. Last evaluated: 2025-07-03. Review status: criteria provided, single submitter. Criteria: ACMG Guidelines, 2015. Collection method: clinical testing. Allele origin: germline.
Comment: This variant is classified as likely benign based on ACMG/AMP sequence variant interpretation guidelines (Richards et al. 2015 PMID: 25741868, with internal and published modifications).

Genome-Nilou Lab
Classification: Uncertain significance for Cohen syndrome. Last evaluated: 2021-07-22. Review status: criteria provided, single submitter. Criteria: ACMG Guidelines, 2015. Collection method: clinical testing. Allele origin: germline. Affected: no.

Illumina Laboratory Services, Illumina
Classification: Uncertain significance for Cohen syndrome. Last evaluated: 2018-01-13. Review status: criteria provided, single submitter. Criteria: ICSL Variant Classification Criteria 13 December 2019. Collection method: clinical testing. Allele origin: germline.